The following is an entry in ClinVar:

ClinVar aggregate classification (germline): Benign/Likely benign. Review status: criteria provided, multiple submitters, no conflicts (2 of 4 stars). 2 submissions from 2 submitters: Benign (1); Likely benign (1). Last evaluated 2026-04-22.

Conditions:
Colorectal cancer, susceptibility to, 1. Also called: COLORECTAL ADENOMA AND CANCER, SUSCEPTIBILITY TO; COLORECTAL CANCER, SUSCEPTIBILITY TO, ON CHROMOSOME 9. Identifiers: MedGen C1837315, MONDO:0012132, OMIM 608812.

Submissions (2):

Myriad Genetics, Inc.
Classification: Benign for Colorectal cancer, susceptibility to, 1. Last evaluated: 2026-04-22. Review status: criteria provided, single submitter. Criteria: Myriad Autosomal Dominant, Autosomal Recessive and X-Linked Classification Criteria (2023). Collection method: clinical testing. Allele origin: unknown.
Comment: This variant is considered benign. This variant is a silent/synonymous amino acid change and it is not expected to impact splicing.

Ambry Genetics
Classification: Likely benign. Last evaluated: 2025-04-17. Review status: criteria provided, single submitter. Criteria: Ambry Variant Classification Scheme 2023. Collection method: clinical testing. Allele origin: germline.

NM_024642.5(GALNT12):c.189G>A (p.Pro63=)

Gene: GALNT12 (polypeptide N-acetylgalactosaminyltransferase 12; plus strand). Cytogenetic location: 9q22.33.
Variant type: single nucleotide variant.
Coding change: c.189G>A on transcript NM_024642.5 (MANE Select); coding-DNA position 189, G replaced by A.
Protein change: p.Pro63=; no amino-acid change (proline 63 retained).
Molecular consequence: synonymous variant.
Genome position (GRCh38, 1-based): chr9:98,807,887, G>A. VCF-style: chr9-98807887-G-A. GRCh37 (hg19) VCF-style: chr9-101570169-G-A.
Identifiers: ClinVar variation 4027985 (VCV004027985.2).
Genomic context (GRCh38, chr9:98,807,887, plus strand): 5'-CGGGGCCGGGGCTGCCGAGCCGGGACCCCCGCGCACCCCGCGCCCCGGGCGGCGCGAGCC[G>A]GTCATGCCGCGGCCGCCGGTGCCGGCGAACGCGCTGGGCGCGCGGGGCGAGGCGGTGCGG-3'
Protein context (NP_078918.3, residues 53-73): PRTPRPGRRE[Pro63=]VMPRPPVPAN